The following is an entry in ClinVar:

NM_001165963.4(SCN1A):c.5606T>C (p.Phe1869Ser)

Genes: SCN1A (sodium voltage-gated channel alpha subunit 1; minus strand), LOC102724058 (uncharacterized LOC102724058; plus strand). Cytogenetic location: 2q24.3.
Variant type: single nucleotide variant.
Coding change: c.5606T>C on transcript NM_001165963.4 (MANE Select); coding-DNA position 5606, T replaced by C.
Protein change: p.Phe1869Ser; replaces phenylalanine 1869 with serine.
Molecular consequence: missense variant. On other transcripts: non-coding transcript variant (1).
Genome position (GRCh38, 1-based): chr2:165,991,669, A>G on the plus strand (T>C on the coding strand, the complement: SCN1A is on the minus strand). VCF-style: chr2-165991669-A-G. GRCh37 (hg19) VCF-style: chr2-166848179-A-G.
Other names: c.5522T>C, p.Phe1841Ser (NM_001165964.3, NM_001353957.2, NM_001353958.2); c.5606T>C, p.Phe1869Ser (NM_001202435.3, NM_001353948.2); c.5573T>C, p.Phe1858Ser (NM_001353949.2, NM_001353950.2, NM_001353951.2 and 2 more transcripts); c.5570T>C, p.Phe1857Ser (NM_001353954.2, NM_001353955.2); c.5519T>C, p.Phe1840Ser (NM_001353960.2); c.3164T>C, p.Phe1055Ser (NM_001353961.2); c.5606T>C (NM_001165963.1); short protein forms F1858S, F1869S, F1841S, F1055S, F1840S, F1857S.
Identifiers: ClinVar variation 502634 (VCV000502634.7), dbSNP rs1553520012, ClinGen allele CA349065223.

ClinVar aggregate classification (germline): Uncertain significance. Review status: criteria provided, multiple submitters, no conflicts (2 of 4 stars). 2 submissions from 2 submitters: Uncertain significance (2). Last evaluated 2025-12-10.

Submissions (2):

GeneDx
Classification: Uncertain significance. Last evaluated: 2025-12-10. Review status: criteria provided, single submitter. Criteria: GeneDx Variant Classification Process June 2021. Collection method: clinical testing. Allele origin: germline.
Comment: Reported as a maternally inherited variant in a child with generalized myoclonic epilepsy (PMID: 37471090); Not observed at significant frequency in large population cohorts (gnomAD); In silico analysis supports that this missense variant has a deleterious effect on protein structure/function; This substitution is predicted to be within the C-terminal cytoplasmic domain; This variant is associated with the following publications: (PMID: Hu2022[article], 37471090)

Eurofins Ntd Llc (ga)
Classification: Uncertain significance. Last evaluated: 2017-06-16. Review status: criteria provided, single submitter. Criteria: EGL Classification Definitions 2015. Collection method: clinical testing. Allele origin: germline. Observed: 2 variant alleles, 2 heterozygotes.